The following is an entry in ClinVar:

NM_013266.4(CTNNA3):c.2045A>C (p.Lys682Thr)

Gene: CTNNA3 (catenin alpha 3; minus strand). Cytogenetic location: 10q21.3.
Variant type: single nucleotide variant.
Coding change: c.2045A>C on transcript NM_013266.4 (MANE Select); coding-DNA position 2045, A replaced by C.
Protein change: p.Lys682Thr; replaces lysine 682 with threonine.
Molecular consequence: missense variant.
Genome position (GRCh38, 1-based): chr10:66,069,422, T>G on the plus strand (A>C on the coding strand, the complement: CTNNA3 is on the minus strand). VCF-style: chr10-66069422-T-G. GRCh37 (hg19) VCF-style: chr10-67829180-T-G.
Other names: c.2045A>C, p.Lys682Thr (NM_001127384.3); short protein forms K682T.
Identifiers: ClinVar variation 4842461 (VCV004842461.1).

ClinVar aggregate classification (germline): Uncertain significance (1 of 4 stars; one submission).

Submission:

Ambry Genetics
Classification: Uncertain significance. Last evaluated: 2026-01-10. Review status: criteria provided, single submitter. Criteria: Ambry Variant Classification Scheme 2023. Collection method: clinical testing. Allele origin: germline.
Comment: The p.K682T variant (also known as c.2045A>C), located in coding exon 14 of the CTNNA3 gene, results from an A to C substitution at nucleotide position 2045. The lysine at codon 682 is replaced by threonine, an amino acid with similar properties. This amino acid position is conserved. In addition, this alteration is predicted to be tolerated by in silico analysis. Based on the available evidence, the clinical significance of this variant remains unclear.